The following is an entry in ClinVar:

ClinVar aggregate classification (germline): Uncertain significance. Review status: criteria provided, multiple submitters, no conflicts (2 of 4 stars). 2 submissions from 2 submitters: Uncertain significance (2). Last evaluated 2025-12-24.

Conditions:
Rhabdoid tumor predisposition syndrome 2 (RTPS2). Identifiers: Orphanet 231108, Orphanet 69077, MedGen C2750074, MONDO:0013224, OMIM 613325.
Hereditary cancer-predisposing syndrome. Also called: Hereditary Cancer Syndrome; Tumor predisposition; Neoplastic Syndromes, Hereditary; Hereditary neoplastic syndrome. Identifiers: Orphanet 140162, MedGen C0027672, MeSH D009386, MONDO:0015356.

Allele frequency attached by ClinVar (database versions not stated): gnomAD exomes below 0.00001.
gnomAD v4.1: 2 of 1,613,484 alleles (0.00012%); highest among the groups gnomAD compares: Non-Finnish European, 0.00017%; no homozygotes.

Submissions (2):

Ambry Genetics
Classification: Uncertain significance for Hereditary cancer-predisposing syndrome. Last evaluated: 2025-12-24. Review status: criteria provided, single submitter. Criteria: Ambry Variant Classification Scheme 2023. Collection method: clinical testing. Allele origin: germline.
Comment: The p.R417H variant (also known as c.1250G>A), located in coding exon 7 of the SMARCA4 gene, results from a G to A substitution at nucleotide position 1250. The arginine at codon 417 is replaced by histidine, an amino acid with highly similar properties. This amino acid position is highly conserved in available vertebrate species. In addition, the in silico prediction for this alteration is inconclusive. Based on the available evidence, the clinical significance of this variant remains unclear.

Labcorp Genetics (formerly Invitae), Labcorp
Classification: Uncertain significance for Rhabdoid tumor predisposition syndrome 2. Last evaluated: 2025-12-17. Review status: criteria provided, single submitter. Criteria: Invitae Variant Classification Sherloc (09022015). Collection method: clinical testing. Allele origin: germline.
Comment: This sequence change replaces arginine, which is basic and polar, with histidine, which is basic and polar, at codon 417 of the SMARCA4 protein (p.Arg417His). This variant is not present in population databases (gnomAD no frequency). This variant has not been reported in the literature in individuals affected with SMARCA4-related conditions. ClinVar contains an entry for this variant (Variation ID: 861150). Invitae Evidence Modeling of protein sequence and biophysical properties (such as structural, functional, and spatial information, amino acid conservation, physicochemical variation, residue mobility, and thermodynamic stability) indicates that this missense variant is expected to disrupt SMARCA4 protein function with a positive predictive value of 95%. In summary, the available evidence is currently insufficient to determine the role of this variant in disease. Therefore, it has been classified as a Variant of Uncertain Significance.

NM_003072.5(SMARCA4):c.1250G>A (p.Arg417His)

Gene: SMARCA4 (SWI/SNF related BAF chromatin remodeling complex subunit ATPase 4; plus strand). Cytogenetic location: 19p13.2.
Variant type: single nucleotide variant.
Coding change: c.1250G>A on transcript NM_003072.5 (MANE Select); coding-DNA position 1250, G replaced by A.
Protein change: p.Arg417His; replaces arginine 417 with histidine.
Molecular consequence: missense variant. On other transcripts: non-coding transcript variant (1).
Genome position (GRCh38, 1-based): chr19:10,991,154, G>A. VCF-style: chr19-10991154-G-A. GRCh37 (hg19) VCF-style: chr19-11101830-G-A.
Other names: c.1250G>A, p.Arg417His (NM_001128844.3, NM_001128845.2, NM_001128846.2 and 4 more transcripts); short protein forms R417H.
Identifiers: ClinVar variation 861150 (VCV000861150.10), dbSNP rs2086526099, ClinGen allele CA404060472.
Genomic context (GRCh38, chr19:10,991,154, plus strand): 5'-ATTGTGGATGCCACAGAGCTGTGCAGTGCGCGGGCTTGTCCTCTTCCCTCCTACAGCTGC[G>A]CCAGGAGGTGGTGGTGTGCATGCGGAGGGACACAGCGCTGGAGACAGCCCTCAATGCTAA-3'
Protein context (NP_003063.2, residues 407-427): LRLLNFQRQL[Arg417His]QEVVVCMRRD